The following is an entry in ClinVar:

ClinVar aggregate classification (germline): Uncertain significance. Review status: criteria provided, multiple submitters, no conflicts (2 of 4 stars). 5 submissions from 5 submitters: Uncertain significance (5). Last evaluated 2024-10-15.

Conditions:
Cardiovascular phenotype. Identifiers: MedGen CN230736.
Cardiomyopathy (CMYO). Also called: Cardiomyopathies. Identifiers: Orphanet 167848, MedGen C0878544, MONDO:0004994, HP:0001638. Inheritance: Various modes of inheritance.
Arrhythmogenic cardiomyopathy with wooly hair and keratoderma. Also called: PALMOPLANTAR KERATODERMA WITH LEFT VENTRICULAR CARDIOMYOPATHY AND WOOLLY HAIR; Carvajal syndrome; Dilated cardiomyopathy with woolly hair and keratoderma; Arrhythmogenic cardiomyopathy with woolly hair and keratoderma. Identifiers: Orphanet 65282, MedGen C1854063, MONDO:0011581, OMIM 605676.
Arrhythmogenic right ventricular dysplasia 8 (ARVD8). Also called: Arrhythmogenic Right Ventricular Dysplasia/Cardiomyopathy 8; ARRHYTHMOGENIC RIGHT VENTRICULAR DYSPLASIA, FAMILIAL, 8; ARRHYTHMOGENIC RIGHT VENTRICULAR CARDIOMYOPATHY 8. Identifiers: MedGen C1843896, MONDO:0011831, OMIM 607450.

Allele frequency attached by ClinVar (database versions not stated): gnomAD exomes below 0.00001 and 0.00002; ExAC 0.00001; gnomAD 0.00001; TOPMed 0.00001.
gnomAD v4.1: 33 of 1,614,086 alleles (0.002%); highest among the groups gnomAD compares: African/African-American, 0.0027%; no homozygotes.

Submissions (5):

Ambry Genetics
Classification: Uncertain significance for Cardiovascular phenotype. Last evaluated: 2024-10-15. Review status: criteria provided, single submitter. Criteria: Ambry Variant Classification Scheme 2023. Collection method: clinical testing. Allele origin: germline.
Comment: The p.T1217S variant (also known as c.3649A>T), located in coding exon 23 of the DSP gene, results from an A to T substitution at nucleotide position 3649. The threonine at codon 1217 is replaced by serine, an amino acid with similar properties. This amino acid position is conserved. In addition, this alteration is predicted to be tolerated by in silico analysis. Based on the available evidence, the clinical significance of this variant remains unclear.

Color Diagnostics, LLC DBA Color Health
Classification: Uncertain significance for Cardiomyopathy. Last evaluated: 2024-03-06. Review status: criteria provided, single submitter. Criteria: ACMG Guidelines, 2015. Collection method: clinical testing. Allele origin: germline.
Comment: This missense variant replaces threonine with serine at codon 1217 of the DSP protein. Computational prediction suggests that this variant may not impact protein structure and function (internally defined REVEL score threshold <= 0.5, PMID: 27666373). To our knowledge, functional studies have not been reported for this variant. This variant has not been reported in individuals affected with cardiovascular disorders in the literature. This variant has been identified in 1/251162 chromosomes in the general population by the Genome Aggregation Database (gnomAD). The available evidence is insufficient to determine the role of this variant in disease conclusively. Therefore, this variant is classified as a Variant of Uncertain Significance.

All of Us Research Program, National Institutes of Health
Classification: Uncertain significance for Arrhythmogenic cardiomyopathy with wooly hair and keratoderma. Last evaluated: 2023-11-02. Review status: criteria provided, single submitter. Criteria: ACMG Guidelines, 2015. Collection method: clinical testing. Allele origin: germline. Inheritance: Autosomal dominant inheritance. Observed: 2 variant alleles, 2 heterozygotes.
Comment: This missense variant replaces threonine with serine at codon 1217 of the DSP protein. Computational prediction suggests that this variant may not impact protein structure and function (internally defined REVEL score threshold <= 0.5, PMID: 27666373). To our knowledge, functional studies have not been reported for this variant. This variant has not been reported in individuals affected with cardiovascular disorders in the literature. This variant has been identified in 1/251162 chromosomes in the general population by the Genome Aggregation Database (gnomAD). The available evidence is insufficient to determine the role of this variant in disease conclusively. Therefore, this variant is classified as a Variant of Uncertain Significance.

This study involves interpretation of variants in research participants for the purpose of population health screening. Participant phenotype was not available at the time of variant classification. Additional details can be found in publication PMID: 35346344, PMCID: PMC8962531

Mayo Clinic Laboratories, Mayo Clinic
Classification: Uncertain significance. Last evaluated: 2022-02-15. Review status: criteria provided, single submitter. Criteria: ACMG Guidelines, 2015. Collection method: clinical testing. Allele origin: germline. Observed: 1 variant allele.
Comment: BP4

Labcorp Genetics (formerly Invitae), Labcorp
Classification: Uncertain significance for Arrhythmogenic cardiomyopathy with wooly hair and keratoderma; Arrhythmogenic right ventricular dysplasia 8. Last evaluated: 2021-08-27. Review status: criteria provided, single submitter. Criteria: Invitae Variant Classification Sherloc (09022015). Collection method: clinical testing. Allele origin: germline.
Comment: This sequence change replaces threonine with serine at codon 1217 of the DSP protein (p.Thr1217Ser). The threonine residue is moderately conserved and there is a small physicochemical difference between threonine and serine. This variant is present in population databases (rs770484693, ExAC 0.002%). This variant has not been reported in the literature in individuals affected with DSP-related conditions. Algorithms developed to predict the effect of missense changes on protein structure and function output the following: SIFT: "Tolerated"; PolyPhen-2: "Benign"; Align-GVGD: "Class C0". The serine amino acid residue is found in multiple mammalian species, which suggests that this missense change does not adversely affect protein function. In summary, the available evidence is currently insufficient to determine the role of this variant in disease. Therefore, it has been classified as a Variant of Uncertain Significance.

NM_004415.4(DSP):c.3649A>T (p.Thr1217Ser)

Gene: DSP (desmoplakin; plus strand). Cytogenetic location: 6p24.3.
Variant type: single nucleotide variant.
Coding change: c.3649A>T on transcript NM_004415.4 (MANE Select); coding-DNA position 3649, A replaced by T.
Protein change: p.Thr1217Ser; replaces threonine 1217 with serine.
Molecular consequence: missense variant. On other transcripts: intron variant (1).
Genome position (GRCh38, 1-based): chr6:7,579,839, A>T. VCF-style: chr6-7579839-A-T. GRCh37 (hg19) VCF-style: chr6-7580072-A-T.
Other names: p.Thr1217Ser; c.3649A>T (NM_004415.3, LRG_423t1); c.3649A>T, p.Thr1217Ser (NM_001319034.2); c.3582+67A>T (NM_001008844.3); short protein forms T1217S.
Identifiers: ClinVar variation 405246 (VCV000405246.14), dbSNP rs770484693, ClinGen allele CA038612.